The following is an entry in ClinVar:

ClinVar aggregate classification (germline): Uncertain significance (1 of 4 stars; one submission).

Conditions:
3-methylglutaconic aciduria, type VIIB (MGCA7B). Also called: 3-methylglutaconic aciduria, type VII, with cataracts, neurologic involvement and neutropenia; CLPB Deficiency; 3-methylglutaconic aciduria with cataracts, neurologic involvement and neutropenia. Identifiers: Orphanet 445038, MedGen C5676893, MONDO:0014561, OMIM 616271.

gnomAD v4.1: 5 of 1,614,158 alleles (0.00031%); highest among the groups gnomAD compares: Non-Finnish European, 0.00042%; no homozygotes.

Submission:

Labcorp Genetics (formerly Invitae), Labcorp
Classification: Uncertain significance for 3-methylglutaconic aciduria, type VIIB. Last evaluated: 2024-02-14. Review status: criteria provided, single submitter. Criteria: Invitae Variant Classification Sherloc (09022015). Collection method: clinical testing. Allele origin: germline.
Comment: This sequence change replaces isoleucine, which is neutral and non-polar, with valine, which is neutral and non-polar, at codon 490 of the CLPB protein (p.Ile490Val). This variant is present in population databases (rs746974289, gnomAD 0.0009%). This variant has not been reported in the literature in individuals affected with CLPB-related conditions. An algorithm developed to predict the effect of missense changes on protein structure and function (PolyPhen-2) suggests that this variant is likely to be disruptive. In summary, the available evidence is currently insufficient to determine the role of this variant in disease. Therefore, it has been classified as a Variant of Uncertain Significance.

NM_001258392.3(CLPB):c.1378A>G (p.Ile460Val)

Gene: CLPB (ClpB family mitochondrial disaggregase; minus strand). Cytogenetic location: 11q13.4.
Variant type: single nucleotide variant.
Coding change: c.1378A>G on transcript NM_001258392.3 (MANE Select); coding-DNA position 1378, A replaced by G.
Protein change: p.Ile460Val; replaces isoleucine 460 with valine.
Molecular consequence: missense variant.
Genome position (GRCh38, 1-based): chr11:72,295,600, T>C on the plus strand (A>G on the coding strand, the complement: CLPB is on the minus strand). VCF-style: chr11-72295600-T-C. GRCh37 (hg19) VCF-style: chr11-72006644-T-C.
Other names: c.1291A>G, p.Ile431Val (NM_001258393.3); c.1333A>G, p.Ile445Val (NM_001258394.3); c.1468A>G, p.Ile490Val (NM_030813.6); short protein forms I445V, I431V, I460V, I490V.
Identifiers: ClinVar variation 3673893 (VCV003673893.2).
Genomic context (GRCh38, chr11:72,295,600, plus strand): 5'-TCAGCTGCAGCGCGTGCTGTGCGATCTCGTCGCTGGCCACATTGGAGGTCATGATGAAGA[T>C]GGCGTCCTTGCAATCAATGGTCTTCCCTTTTCCATCTGTCAGCCGGCCCTGGGAAGGGAA-3'
Protein context (NP_001245321.1, residues 450-470): KGKTIDCKDA[Ile460Val]FIMTSNVASD